The following is an entry in ClinVar:

ClinVar aggregate classification (germline): Benign/Likely benign. Review status: criteria provided, multiple submitters, no conflicts (2 of 4 stars). 3 submissions from 3 submitters: Benign (1); Likely benign (2). Last evaluated 2025-11-01.

Allele frequency attached by ClinVar (database versions not stated): gnomAD exomes 0.00004 and 0.00011; TOPMed 0.00007; ESP Exome Variant Server 0.00008; gnomAD 0.00011 and 0.00013; ExAC 0.00019; 1000 Genomes Project 30x 0.00047; 1000 Genomes Project 0.00060.
gnomAD v4.1: 77 of 1,614,200 alleles (0.0048%); highest among the groups gnomAD compares: East Asian, 0.11%; 1 homozygote.

Submissions (3):

CeGaT Center for Human Genetics Tuebingen
Classification: Likely benign. Last evaluated: 2025-11-01. Review status: criteria provided, single submitter. Criteria: CeGaT Center For Human Genetics Tuebingen Variant Classification Criteria Version 2. Collection method: clinical testing. Allele origin: germline. Affected: yes. Observed: 1 variant allele.
Comment: TRAPPC9: BP4, BP7

Labcorp Genetics (formerly Invitae), Labcorp
Classification: Benign. Last evaluated: 2025-10-02. Review status: criteria provided, single submitter. Criteria: Invitae Variant Classification Sherloc (09022015). Collection method: clinical testing. Allele origin: germline.

Blueprint Genetics
Classification: Likely benign. Last evaluated: 2024-09-11. Review status: criteria provided, single submitter. Criteria: ACMG Guidelines, 2015. Collection method: clinical testing. Allele origin: germline.

NM_001160372.4(TRAPPC9):c.1215G>A (p.Ala405=)

Gene: TRAPPC9 (trafficking protein particle complex subunit 9; minus strand). Cytogenetic location: 8q24.3.
Variant type: single nucleotide variant.
Coding change: c.1215G>A on transcript NM_001160372.4 (MANE Select); coding-DNA position 1215, G replaced by A.
Protein change: p.Ala405=; no amino-acid change (alanine 405 retained).
Molecular consequence: synonymous variant. On other transcripts: non-coding transcript variant (1).
Genome position (GRCh38, 1-based): chr8:140,371,100, C>T on the plus strand (G>A on the coding strand, the complement: TRAPPC9 is on the minus strand). VCF-style: chr8-140371100-C-T. GRCh37 (hg19) VCF-style: chr8-141381199-C-T.
Other names: c.1188G>A, p.Ala396= (NM_001321646.2); c.1236G>A, p.Ala412= (NM_001374682.1); c.1215G>A, p.Ala405= (NM_001374683.1, NM_001374684.1, NM_031466.8).
Identifiers: ClinVar variation 737762 (VCV000737762.17), dbSNP rs148641824, ClinGen allele CA4893514.